The following is an entry in ClinVar:

NM_001171.6(ABCC6):c.3491G>A (p.Arg1164Gln)

Gene: ABCC6 (ATP binding cassette subfamily C member 6; minus strand). Cytogenetic location: 16p13.11.
Variant type: single nucleotide variant.
Coding change: c.3491G>A on transcript NM_001171.6 (MANE Select); coding-DNA position 3491, G replaced by A.
Protein change: p.Arg1164Gln; replaces arginine 1164 with glutamine.
Molecular consequence: missense variant.
Genome position (GRCh38, 1-based): chr16:16,163,008, C>T on the plus strand (G>A on the coding strand, the complement: ABCC6 is on the minus strand). VCF-style: chr16-16163008-C-T. GRCh37 (hg19) VCF-style: chr16-16256865-C-T.
Other names: c.3149G>A, p.Arg1050Gln (NM_001351800.1); short protein forms R1164Q, R1050Q.
Identifiers: ClinVar variation 372295 (VCV000372295.12), dbSNP rs63750457, ClinGen allele CA7925569.

ClinVar aggregate classification (germline): Pathogenic/Likely pathogenic. Review status: criteria provided, multiple submitters, no conflicts (2 of 4 stars). 8 submissions from 8 submitters: Pathogenic (4); Likely pathogenic (3). 1 of the submissions does not count toward it. Last evaluated 2025-10-07.

Conditions:
ABCC6-related disorder. Also called: ABCC6-related condition.
Autosomal recessive inherited pseudoxanthoma elasticum (PXE). Identifiers: Orphanet 758, MedGen CN032334, MONDO:0009925, OMIM 264800.
Pseudoxanthoma elasticum, forme fruste. Also called: Pseudoxanthoma Elasticum, Incomplete; PSEUDOXANTHOMA ELASTICUM, HETEROZYGOUS. Identifiers: Orphanet 758, MedGen C1867450, MONDO:0008333, OMIM 177850.
Arterial calcification, generalized, of infancy, 2. Identifiers: Orphanet 51608, MedGen C3276161, MONDO:0013768, OMIM 614473.

Allele frequency attached by ClinVar (database versions not stated): ExAC 0.00002; gnomAD 0.00002; gnomAD exomes 0.00002; TOPMed 0.00002.
gnomAD v4.1: 40 of 1,613,962 alleles (0.0025%); highest among the groups gnomAD compares: Middle Eastern, 0.033%; no homozygotes.

Submissions (8):

PreventionGenetics, part of Exact Sciences
Classification: Pathogenic for ABCC6-related condition. Last evaluated: 2025-10-07. Review status: criteria provided, single submitter. Criteria: ACMG Guidelines, 2015. Collection method: clinical testing. Allele origin: germline.
Comment: The ABCC6 c.3491G>A variant is predicted to result in the amino acid substitution p.Arg1164Gln. This variant has been reported in individuals with autosomal recessive pseudoxanthoma elasticum (PXE; Miksch et al. 2005. PubMed ID: 16086317; Ringpfeil et al. 2006. PubMed ID: 16410789; Iwanaga et al. 2017. PubMed ID: 28186352; Boraldi et al. 2021. PubMed ID: 34205333; Table S1, Saeidian et al. 2021. PubMed ID: 34906475; Table S1, Stumpf et al. 2022. PubMed ID: 35261845). This variant is reported in 0.0098% of alleles in individuals of South Asian descent in gnomAD. This variant is interpreted as pathogenic.

Variantyx, Inc.
Classification: Likely pathogenic for Autosomal recessive inherited pseudoxanthoma elasticum. Last evaluated: 2025-08-12. Review status: criteria provided, single submitter. Criteria: Variantyx Assertion Criteria 2022. Collection method: clinical testing. Allele origin: germline. Inheritance: Autosomal recessive inheritance. Affected: no.
Comment: This is a nonsynonymous variant in the ABCC6 gene (OMIM: 603234). Pathogenic variants in this gene have been associated with autosomal recessive pseudoxanthoma elasticum. This variant has been identified in the homozygous or compound heterozygous state in at least 4 individuals reported in the published literature (PMID: 27133371, 34906475, 16410789, 16086317 ), (PM3_Strong). Computational algorithms produce conflicting evidence regarding the predicted functional impact of this variant (REVEL score: 0.569), but the alteration lies within a known hotspot for pathogenic variants or a well-established critical functional domain of the ABCC6 protein (PMID: 11536079, 16086317, 34199119) (PM1_Supporting). It has a 0.0066% maximum allele frequency in non-founder control populations (PM2). Based on the current evidence, this variant is classified as likely pathogenic for autosomal recessive pseudoxanthoma elasticum.

Blueprint Genetics
Classification: Likely pathogenic for ABCC6-related disorders. Last evaluated: 2024-11-15. Review status: criteria provided, single submitter. Criteria: ACMG Guidelines, 2015. Collection method: clinical testing. Allele origin: germline. Affected: yes. Observed: 3 variant alleles.

Genomic Medicine Center of Excellence, King Faisal Specialist Hospital and Research Centre
Classification: Pathogenic for Autosomal recessive inherited pseudoxanthoma elasticum. Last evaluated: 2024-04-04. Review status: criteria provided, single submitter. Criteria: ACMG Guidelines, 2015. Collection method: clinical testing. Allele origin: germline.

Labcorp Genetics (formerly Invitae), Labcorp
Classification: Pathogenic. Last evaluated: 2024-03-19. Review status: criteria provided, single submitter. Criteria: Invitae Variant Classification Sherloc (09022015). Collection method: clinical testing. Allele origin: germline.
Comment: This sequence change replaces arginine, which is basic and polar, with glutamine, which is neutral and polar, at codon 1164 of the ABCC6 protein (p.Arg1164Gln). This variant is present in population databases (rs63750457, gnomAD 0.01%). This missense change has been observed in individual(s) with pseudoxanthoma elasticum (PMID: 16086317, 16410789, 17617515, 18157818, 27133371, 28186352). In at least one individual the data is consistent with being in trans (on the opposite chromosome) from a pathogenic variant. This variant is also known as c.4021G>A. ClinVar contains an entry for this variant (Variation ID: 372295). Advanced modeling of protein sequence and biophysical properties (such as structural, functional, and spatial information, amino acid conservation, physicochemical variation, residue mobility, and thermodynamic stability) performed at Invitae indicates that this missense variant is not expected to disrupt ABCC6 protein function with a negative predictive value of 95%. For these reasons, this variant has been classified as Pathogenic.

Fulgent Genetics
Classification: Pathogenic for Pseudoxanthoma elasticum, forme fruste; Autosomal recessive inherited pseudoxanthoma elasticum; Arterial calcification, generalized, of infancy, 2. Last evaluated: 2021-09-06. Review status: criteria provided, single submitter. Criteria: ACMG Guidelines, 2015. Collection method: clinical testing. Allele origin: unknown.

GeneDx
Classification: Likely pathogenic. Last evaluated: 2016-09-30. Review status: criteria provided, single submitter. Criteria: GeneDx Variant Classification (06012015). Collection method: clinical testing. Allele origin: germline. Affected: yes.
Comment: The R1164Q variant in the ABCC6 gene has been previously reported in both the homozygous and compound heterozygous state with another ABCC6 variant (Miksch et al., 2005; Vanakker et al., 2008; Dibi et al., 2016). It was not observed in approximately 6,500 individuals of European and African American ancestry in the NHLBI Exome Sequencing Project, indicating it is not a common benign variant in these populations. R1164Q is a semi-conservative amino acid substitution, which may impact secondary protein structure as these residues differ in some properties. However, this substitution occurs at a position that is not conserved and in silico analysis is inconsistent in its predictions as to whether or not the variant is damaging to the protein structure/function. ACMG criteria therefor result in classifying this variant as likely pathogenic; and the unlikely possibility that it is benign cannot be excluded.

PXE International
Classification: Pathogenic for Autosomal recessive inherited pseudoxanthoma elasticum. Last evaluated: 2021-03-01. Review status: no assertion criteria provided. Collection method: research. Allele origin: germline. Inheritance: Autosomal recessive inheritance. Affected: yes. Observed: 5 variant alleles. Clinical features observed: Papule (HP:0200034), Skin plaque (HP:0200035), Angioid streaks (HP:0001102), Gastrointestinal hemorrhage (HP:0002239), Intermittent claudication (HP:0004417), Abnormally lax or hyperextensible skin (HP:0008067), Retinal hemorrhage (HP:0000573). Not counted in ClinVar's aggregate classification.

Literature cited by the submitters: PubMed 27133371 (cited by Variantyx, Inc. and Labcorp Genetics (formerly Invitae), Labcorp); PubMed 34906475 (cited by Variantyx, Inc.); PubMed 16410789 (cited by Variantyx, Inc. and Labcorp Genetics (formerly Invitae), Labcorp); PubMed 16086317 (cited by Variantyx, Inc. and Labcorp Genetics (formerly Invitae), Labcorp); PubMed 11536079 (cited by Variantyx, Inc.); PubMed 34199119 (cited by Variantyx, Inc.); PubMed 17617515 (cited by Labcorp Genetics (formerly Invitae), Labcorp); PubMed 18157818 (cited by Labcorp Genetics (formerly Invitae), Labcorp); PubMed 28186352 (cited by Labcorp Genetics (formerly Invitae), Labcorp); PubMed 32873932 (cited by PXE International).